The following is an entry in ClinVar:

ClinVar aggregate classification (germline): Likely benign. Review status: criteria provided, multiple submitters, no conflicts (2 of 4 stars). 2 submissions from 2 submitters: Likely benign (2). Last evaluated 2023-08-15.

Conditions:
Cardiomyopathy (CMYO). Also called: Cardiomyopathies. Identifiers: Orphanet 167848, MedGen C0878544, MONDO:0004994, HP:0001638. Inheritance: Various modes of inheritance.
Arrhythmogenic right ventricular cardiomyopathy (ARVD). Also called: Arrhythmogenic right ventricular dysplasia; Cardiomyopathy, ARVC; Arrhythmogenic cardiomyopathy; Arrhythmogenic Right Ventricular Cardiomyopathy (ARVC). Identifiers: Orphanet 247, MedGen C0349788, MeSH D019571, MONDO:0016587. Disease mechanism: loss of function. Inheritance: Various modes of inheritance.

Allele frequency attached by ClinVar (database versions not stated): gnomAD exomes below 0.00001.
gnomAD v4.1: 1 of 1,613,952 alleles (0.000062%); highest among the groups gnomAD compares: Non-Finnish European, 0.000085%; no homozygotes.

Submissions (2):

All of Us Research Program, National Institutes of Health
Classification: Likely benign for Arrhythmogenic right ventricular cardiomyopathy. Last evaluated: 2023-08-15. Review status: criteria provided, single submitter. Criteria: ACMG Guidelines, 2015. Collection method: clinical testing. Allele origin: germline. Inheritance: Autosomal dominant inheritance. Observed: 1 variant allele, 1 heterozygote.
Comment: This study involves interpretation of variants in research participants for the purpose of population health screening. Participant phenotype was not available at the time of variant classification. Additional details can be found in publication PMID: 35346344, PMCID: PMC8962531

Color Diagnostics, LLC DBA Color Health
Classification: Likely benign for Cardiomyopathy. Last evaluated: 2022-07-25. Review status: criteria provided, single submitter. Criteria: ACMG Guidelines, 2015. Collection method: clinical testing. Allele origin: germline.

NM_001005242.3(PKP2):c.2263T>C (p.Leu755=)

Gene: PKP2 (plakophilin 2; minus strand). Cytogenetic location: 12p11.21.
Variant type: single nucleotide variant.
Coding change: c.2263T>C on transcript NM_001005242.3 (MANE Select); coding-DNA position 2263, T replaced by C.
Protein change: p.Leu755=; no amino-acid change (leucine 755 retained).
Molecular consequence: synonymous variant. On other transcripts: intron variant (2).
Genome position (GRCh38, 1-based): chr12:32,796,203, A>G on the plus strand (T>C on the coding strand, the complement: PKP2 is on the minus strand). VCF-style: chr12-32796203-A-G. GRCh37 (hg19) VCF-style: chr12-32949137-A-G.
Other names: c.2098T>C, p.Leu700= (NM_001407156.1); c.1936T>C, p.Leu646= (NM_001407158.1, NM_001407159.1); c.2395T>C, p.Leu799= (NM_004572.4); c.2168-3472T>C (NM_001407155.1); c.1841-3472T>C (NM_001407160.1).
Identifiers: ClinVar variation 2774079 (VCV002774079.3), dbSNP rs2541190186, ClinGen allele CA479172928.